The following is an entry in ClinVar:

NM_022124.6(CDH23):c.3739C>T (p.Arg1247Cys)

Genes: C10orf105 (chromosome 10 open reading frame 105; minus strand), CDH23 (cadherin related 23; plus strand). Cytogenetic location: 10q22.1.
Variant type: single nucleotide variant.
Coding change: c.3739C>T on transcript NM_022124.6 (MANE Select); coding-DNA position 3739, C replaced by T.
Protein change: p.Arg1247Cys; replaces arginine 1247 with cysteine.
Molecular consequence: missense variant. On other transcripts: intron variant (1).
Genome position (GRCh38, 1-based): chr10:71,732,010, C>T. VCF-style: chr10-71732010-C-T. GRCh37 (hg19) VCF-style: chr10-73491767-C-T.
Other names: c.3739C>T, p.Arg1247Cys (NM_001171930.2); c.-6+5718G>A (NM_001168390.2); short protein forms R1247C.
Identifiers: ClinVar variation 228480 (VCV000228480.36), dbSNP rs202204597, ClinGen allele CA5544838.

ClinVar aggregate classification (germline): Uncertain significance. Review status: criteria provided, multiple submitters, no conflicts (2 of 4 stars). 11 submissions from 10 submitters: Uncertain significance (9). 2 of the submissions do not count toward it. Last evaluated 2026-05-18.

Conditions:
Pituitary adenoma 5, multiple types. Identifiers: MedGen C4539685, MONDO:0054601, OMIM 617540.
Autosomal recessive nonsyndromic hearing loss 12. Also called: DEAFNESS, AUTOSOMAL RECESSIVE 12. Identifiers: Orphanet 90636, MedGen C1832394, MONDO:0011067, OMIM 601386.
Usher syndrome type 1D (USH1D). Also called: USHER SYNDROME, TYPE ID. Identifiers: Orphanet 231169, Orphanet 886, MedGen C1832845, MONDO:0010984, OMIM 601067.
Retinal dystrophy. Also called: Inherited retinal dystrophy. Identifiers: Orphanet 71862, MedGen C0854723, MeSH D058499, MONDO:0019118, HP:0000556.
CDH23-related disorder. Also called: CDH23-related condition; CDH23-related disorders.
Usher syndrome type 1 (USH1). Also called: RETINITIS PIGMENTOSA AND CONGENITAL DEAFNESS. Identifiers: Orphanet 231169, Orphanet 886, MedGen C1568247, MONDO:0010168, OMIM 276900.

Allele frequency attached by ClinVar (database versions not stated): TOPMed 0.00016; ESP Exome Variant Server 0.00024; ExAC 0.00017; gnomAD exomes 0.00023; gnomAD 0.00003.
gnomAD v4.1: 507 of 1,613,690 alleles (0.031%); highest among the groups gnomAD compares: Non-Finnish European, 0.041%; no homozygotes.

Submissions (11):

PreventionGenetics, part of Exact Sciences
Classification: Uncertain significance for CDH23-related condition. Last evaluated: 2026-05-18. Review status: criteria provided, single submitter. Criteria: ACMG Guidelines, 2015. Collection method: clinical testing. Allele origin: germline.
Comment: The CDH23 c.3739C>T variant is predicted to result in the amino acid substitution p.Arg1247Cys. This variant was reported in an individual with retinal dystrophy in absence of second CDH23 variant, who also had two variants in ABCA4 gene (Table S3, Mihalich et al. 2024. PubMed ID: 38927702). This variant is reported in 0.041% of alleles in individuals of European (Non-Finnish) descent in gnomAD. At this time, the clinical significance of this variant is uncertain due to the absence of conclusive functional and genetic evidence.

CeGaT Center for Human Genetics Tuebingen
Classification: Uncertain significance. Last evaluated: 2026-04-01. Review status: criteria provided, single submitter. Criteria: CeGaT Center For Human Genetics Tuebingen Variant Classification Criteria Version 2. Collection method: clinical testing. Allele origin: germline. Affected: yes. Observed: 3 variant alleles.
Comment: CDH23: PM2, BP4

GeneDx
Classification: Uncertain significance. Last evaluated: 2025-08-15. Review status: criteria provided, single submitter. Criteria: GeneDx Variant Classification Process June 2021. Collection method: clinical testing. Allele origin: germline. Affected: yes.
Comment: Observed in the heterozygous state an individual in published literature who had a different genetic etiology for the phenotype (PMID: 38927702); In silico analysis suggests that this missense variant does not alter protein structure/function; This variant is associated with the following publications: (PMID: 38927702)

Blueprint Genetics
Classification: Uncertain significance. Last evaluated: 2024-10-07. Review status: criteria provided, single submitter. Criteria: ACMG Guidelines, 2015. Collection method: clinical testing. Allele origin: germline.

Labcorp Genetics (formerly Invitae), Labcorp
Classification: Uncertain significance. Last evaluated: 2022-10-25. Review status: criteria provided, single submitter. Criteria: Invitae Variant Classification Sherloc (09022015). Collection method: clinical testing. Allele origin: germline.
Comment: This sequence change replaces arginine, which is basic and polar, with cysteine, which is neutral and slightly polar, at codon 1247 of the CDH23 protein (p.Arg1247Cys). This variant is present in population databases (rs202204597, gnomAD 0.04%). This variant has not been reported in the literature in individuals affected with CDH23-related conditions. ClinVar contains an entry for this variant (Variation ID: 228480). Advanced modeling of protein sequence and biophysical properties (such as structural, functional, and spatial information, amino acid conservation, physicochemical variation, residue mobility, and thermodynamic stability) performed at Invitae indicates that this missense variant is not expected to disrupt CDH23 protein function. In summary, the available evidence is currently insufficient to determine the role of this variant in disease. Therefore, it has been classified as a Variant of Uncertain Significance.

Fulgent Genetics
Classification: Uncertain significance for Usher syndrome type 1D; Autosomal recessive nonsyndromic hearing loss 12; Pituitary adenoma 5, multiple types. Last evaluated: 2018-10-31. Review status: criteria provided, single submitter. Criteria: ACMG Guidelines, 2015. Collection method: clinical testing. Allele origin: unknown.

Illumina Laboratory Services, Illumina
Classification: Uncertain significance for Usher syndrome type 1D. Last evaluated: 2018-01-13. Review status: criteria provided, single submitter. Criteria: ICSL Variant Classification Criteria 13 December 2019. Collection method: clinical testing. Allele origin: germline.

Illumina Laboratory Services, Illumina
Classification: Uncertain significance for Autosomal recessive nonsyndromic hearing loss 12. Last evaluated: 2018-01-13. Review status: criteria provided, single submitter. Criteria: ICSL Variant Classification Criteria 13 December 2019. Collection method: clinical testing. Allele origin: germline.

Laboratory for Molecular Medicine, Mass General Brigham Personalized Medicine
Classification: Uncertain significance. Last evaluated: 2016-01-21. Review status: criteria provided, single submitter. Criteria: LMM Criteria. Collection method: clinical testing. Allele origin: germline. Observed: 1 variant allele.
Comment: Variant classified as Uncertain Significance - Favor Benign. The p.Arg1247Cys va riant in CDH23 has not been previously reported in individuals with hearing loss , but has been identified in 19/65208 of European chromosomes by the Exome Aggre gation Consortium (ExAC; dbSNP rs202204597). The arginine (Arg) at position 1247 is not conserved in mammals or evolutionary dis tant species, with two mammals (chinchilla and Brush-tailed rat) having a cystei ne (Cys) at this position, raising the possibility/supporting that a change at t his position may be tolerated. Additional computational prediction tools do not provide strong support for or against an impact to the protein. In summary, whil e the clinical significance of the p.Arg1247Cys is uncertain, the conservation d ata suggest that it is more likely to be benign.

Institute of Human Genetics, Univ. Regensburg, Univ. Regensburg
Classification: Uncertain significance for Retinal dystrophy. Last evaluated: 2023-01-01. Review status: no assertion criteria provided. Criteria: ACMG Guidelines, 2015. Collection method: clinical testing. Allele origin: germline. Affected: yes. Not counted in ClinVar's aggregate classification.

Natera, Inc.
Classification: Uncertain significance for Usher syndrome type 1. Last evaluated: 2020-01-06. Review status: no assertion criteria provided. Collection method: clinical testing. Allele origin: germline. Not counted in ClinVar's aggregate classification.